The following is an entry in ClinVar:

NM_000135.4(FANCA):c.2482dup (p.Asp828fs)

Gene: FANCA (FA complementation group A; minus strand). Cytogenetic location: 16q24.3.
Variant type: Duplication.
Coding change: c.2482dup on transcript NM_000135.4 (MANE Select); coding-DNA position 2482, one base duplicated (G; older notation c.2482dupG).
Protein change: p.Asp828fs; shifts the reading frame from aspartic acid 828.
Molecular consequence: frameshift variant.
Genome position (GRCh38, 1-based): chr16:89,769,859, C duplicated on the plus strand (G on the coding strand, the reverse complement: FANCA is on the minus strand); the first of 3 consecutive C bases (chr16:89,769,859-89,769,861); duplicating any one gives the same sequence. VCF-style (leftmost placement, unchanged base first): chr16-89769858-T-TC. GRCh37 (hg19) VCF-style: chr16-89836266-T-TC.
Other names: c.2482dup, p.Asp828fs (NM_001286167.3); short protein forms D828fs.
Identifiers: ClinVar variation 1074088 (VCV001074088.7), dbSNP rs2143331597, ClinGen allele CA2499223833.

ClinVar aggregate classification (germline): Pathogenic (1 of 4 stars; one submission).

Conditions:
Fanconi anemia (FA). Also called: Fanconi's anemia. Identifiers: Orphanet 84, MedGen C0015625, MeSH D005199, MONDO:0019391.

Submission:

Labcorp Genetics (formerly Invitae), Labcorp
Classification: Pathogenic for Fanconi anemia. Last evaluated: 2020-09-24. Review status: criteria provided, single submitter. Criteria: Invitae Variant Classification Sherloc (09022015). Collection method: clinical testing. Allele origin: germline.
Comment: This variant has not been reported in the literature in individuals with FANCA-related conditions. For these reasons, this variant has been classified as Pathogenic. Loss-of-function variants in FANCA are known to be pathogenic (PMID: 19367192). This variant is not present in population databases (ExAC no frequency). This sequence change creates a premature translational stop signal (p.Asp828Glyfs*39) in the FANCA gene. It is expected to result in an absent or disrupted protein product.

Literature cited by the submitters: PubMed 19367192.